The following is an entry in ClinVar:

NM_000143.4(FH):c.375T>C (p.Asp125=)

Gene: FH (fumarate hydratase; minus strand). Cytogenetic location: 1q43.
Variant type: single nucleotide variant.
Coding change: c.375T>C on transcript NM_000143.4 (MANE Select); coding-DNA position 375, T replaced by C.
Protein change: p.Asp125=; no amino-acid change (aspartic acid 125 retained).
Molecular consequence: synonymous variant.
Genome position (GRCh38, 1-based): chr1:241,513,606, A>G on the plus strand (T>C on the coding strand, the complement: FH is on the minus strand). VCF-style: chr1-241513606-A-G. GRCh37 (hg19) VCF-style: chr1-241676906-A-G.
Other names: c.375T>C (NM_000143.3).
Identifiers: ClinVar variation 1139395 (VCV001139395.11), dbSNP rs964339220, ClinGen allele CA40332983.

ClinVar aggregate classification (germline): Benign/Likely benign. Review status: criteria provided, multiple submitters, no conflicts (2 of 4 stars). 3 submissions from 3 submitters: Benign (1); Likely benign (2). Last evaluated 2025-12-01.

Conditions:
Hereditary cancer-predisposing syndrome. Also called: Tumor predisposition; Hereditary Cancer Syndrome; Hereditary neoplastic syndrome; Neoplastic Syndromes, Hereditary. Identifiers: Orphanet 140162, MedGen C0027672, MeSH D009386, MONDO:0015356.
Hereditary leiomyomatosis and renal cell cancer. Also called: MULTIPLE CUTANEOUS AND UTERINE LEIOMYOMATA 1, WITH OR WITHOUT RENAL CELL CARCINOMA; LEIOMYOMA, MULTIPLE CUTANEOUS; Familial leiomyomatosis; FH tumor predisposition syndrome; Reed syndrome; Multiple cutaneous and uterine leiomyomatosis. Identifiers: Orphanet 523, MedGen C1708350, MONDO:0007888, OMIM 150800, HP:0007437. Disease mechanism: loss of function.

Allele frequency attached by ClinVar (database versions not stated): TOPMed below 0.00001; gnomAD 0.00001.
gnomAD v4.1: 1 of 1,612,076 alleles (0.000062%); highest among the groups gnomAD compares: African/African-American, 0.0013%; no homozygotes.

Submissions (3):

Labcorp Genetics (formerly Invitae), Labcorp
Classification: Likely benign. Last evaluated: 2025-12-01. Review status: criteria provided, single submitter. Criteria: Invitae Variant Classification Sherloc (09022015). Collection method: clinical testing. Allele origin: germline.

Myriad Genetics, Inc.
Classification: Benign for Hereditary leiomyomatosis and renal cell cancer. Last evaluated: 2024-10-17. Review status: criteria provided, single submitter. Criteria: Myriad Autosomal Dominant, Autosomal Recessive and X-Linked Classification Criteria (2023). Collection method: clinical testing. Allele origin: unknown.
Comment: This variant is considered benign. This variant is a silent/synonymous amino acid change and it is not expected to impact splicing.

Ambry Genetics
Classification: Likely benign for Hereditary cancer-predisposing syndrome. Last evaluated: 2023-11-17. Review status: criteria provided, single submitter. Criteria: Ambry Variant Classification Scheme 2023. Collection method: clinical testing. Allele origin: germline.